The following is an entry in ClinVar:

NM_005251.3(FOXC2):c.1469A>T (p.His490Leu)

Gene: FOXC2 (forkhead box C2; plus strand). Cytogenetic location: 16q24.1.
Variant type: single nucleotide variant.
Coding change: c.1469A>T on transcript NM_005251.3 (MANE Select); coding-DNA position 1469, A replaced by T.
Protein change: p.His490Leu; replaces histidine 490 with leucine.
Molecular consequence: missense variant.
Genome position (GRCh38, 1-based): chr16:86,568,804, A>T. VCF-style: chr16-86568804-A-T. GRCh37 (hg19) VCF-style: chr16-86602410-A-T.
Other names: short protein forms H490L.
Identifiers: ClinVar variation 1050575 (VCV001050575.1), dbSNP rs778788148, ClinGen allele CA397010306.

ClinVar aggregate classification (germline): Uncertain significance (0 of 4 stars; one submission).

Allele frequency attached by ClinVar (database versions not stated): gnomAD 0.00001 and 0.00002; TOPMed 0.00002.

Submission:

Department of Pathology and Laboratory Medicine, Sinai Health System
Classification: Uncertain significance. Review status: no assertion criteria provided. Collection method: clinical testing. Allele origin: unknown. Affected: yes. Study: The Canadian Open Genetics Repository (COGR).
Comment: The FOXC2 p.His490Leu variant was not identified in the literature nor was it identified in ClinVar or LOVD 3.0. The variant was identified in dbSNP (ID: rs778788148) and in control databases in 1 of 31318 chromosomes at a frequency of 0.00003193 (Genome Aggregation Database March 6, 2019, v2.1.1). The variant was observed in the African population in 1 of 8688 chromosomes (freq: 0.000115), but was not observed in the Latino, Ashkenazi Jewish, East Asian, European (Finnish), European (non-Finnish), Other, and South Asian populations. The p.His490 residue is conserved in mammals but not in more distantly related organisms and computational analyses (PolyPhen-2, SIFT, AlignGVGD, BLOSUM, MutationTaster) provide inconsistent predictions regarding the impact to the protein. The variant occurs outside of the splicing consensus sequence and three of four in silico or computational prediction software programs (SpliceSiteFinder, MaxEntScan, NNSPLICE, GeneSplicer) predict a greater that 10% difference in splicing. However, this has not been confirmed by RNA analysis and is not predictive enough to assume pathogenicity. In summary, based on the above information the clinical significance of this variant cannot be determined with certainty at this time. This variant is classified as a variant of uncertain significance.